The following is an entry in ClinVar:

NM_001377.3(DYNC2H1):c.2464G>T (p.Glu822Ter)

Gene: DYNC2H1 (dynein cytoplasmic 2 heavy chain 1; plus strand). Cytogenetic location: 11q22.3.
Variant type: single nucleotide variant.
Coding change: c.2464G>T on transcript NM_001377.3 (MANE Select); coding-DNA position 2464, G replaced by T.
Protein change: p.Glu822Ter; replaces glutamic acid 822 with a stop codon.
Molecular consequence: nonsense.
Genome position (GRCh38, 1-based): chr11:103,135,838, G>T. VCF-style: chr11-103135838-G-T. GRCh37 (hg19) VCF-style: chr11-103006567-G-T.
Other names: c.2464G>T, p.Glu822Ter (NM_001080463.2); short protein forms E822*.
Identifiers: ClinVar variation 5014160 (VCV005014160.1).

ClinVar aggregate classification (germline): Pathogenic (1 of 4 stars; one submission).

Conditions:
Asphyxiating thoracic dystrophy 3. Also called: Saldino-Noonan Syndrome; SHORT-RIB THORACIC DYSPLASIA 3 WITH OR WITHOUT POLYDACTYLY; POLYDACTYLY WITH NEONATAL CHONDRODYSTROPHY, TYPE I; SHORT-RIB THORACIC DYSPLASIA 3/6 WITH POLYDACTYLY, DIGENIC; Short rib polydactyly syndrome 2B. Identifiers: Orphanet 474, Orphanet 93269, Orphanet 93270, Orphanet 93271, MedGen C0036069, MONDO:0013127, OMIM 613091.

Submission:

Myriad Genetics, Inc.
Classification: Pathogenic for Asphyxiating thoracic dystrophy 3. Last evaluated: 2025-03-01. Review status: criteria provided, single submitter. Criteria: Myriad Autosomal Dominant, Autosomal Recessive and X-Linked Classification Criteria (2023). Collection method: clinical testing. Allele origin: unknown.
Comment: NM_001377.2(DYNC2H1):c.2464G>T(E822*) is expected to be pathogenic in the context of DYNC2H1-related disorders. This variant is predicted to lead to an abnormal or absent protein product due to the creation of a premature termination codon in DYNC2H1, a gene where loss-of-function variants are known to be pathogenic. Please note: this variant was assessed in the context of healthy population screening.